The following is an entry in ClinVar:

ClinVar aggregate classification (germline): Benign (1 of 4 stars; one submission).

Allele frequency attached by ClinVar (database versions not stated): 1000 Genomes Project 30x 0.00437; 1000 Genomes Project 0.00459; TOPMed 0.00741; gnomAD 0.00797; ESP Exome Variant Server 0.00846; ExAC 0.00881.
gnomAD v4.1: 15,943 of 1,614,012 alleles (0.99%); highest among the groups gnomAD compares: Middle Eastern, 1.6%; 117 homozygotes.

Submission:

CeGaT Center for Human Genetics Tuebingen
Classification: Benign. Last evaluated: 2026-10-01. Review status: criteria provided, single submitter. Criteria: CeGaT Center For Human Genetics Tuebingen Variant Classification Criteria Version 2. Collection method: clinical testing. Allele origin: germline. Affected: yes. Observed: 6 variant alleles.
Comment: CIAO1: BP4, BP7, BS1, BS2

NM_004804.3(CIAO1):c.303C>T (p.Leu101=)

Genes: CIAO1 (cytosolic iron-sulfur assembly component 1; plus strand), LOC126806271 (CDK7 strongly-dependent group 2 enhancer GRCh37_chr2:96933152-96934351; plus strand). Cytogenetic location: 2q11.2.
Variant type: single nucleotide variant.
Coding change: c.303C>T on transcript NM_004804.3 (MANE Select); coding-DNA position 303, C replaced by T.
Protein change: p.Leu101=; no amino-acid change (leucine 101 retained).
Molecular consequence: synonymous variant.
Genome position (GRCh38, 1-based): chr2:96,267,639, C>T. VCF-style: chr2-96267639-C-T. GRCh37 (hg19) VCF-style: chr2-96933377-C-T.
Identifiers: ClinVar variation 2651142 (VCV002651142.24), dbSNP rs148682902, ClinGen allele CA1777508.